The following is an entry in ClinVar:

NM_001032283.3(TMPO):c.1079+5dup

Gene: TMPO (thymopoietin; plus strand). Cytogenetic location: 12q23.1.
Variant type: Duplication.
Coding change: c.1079+5dup on transcript NM_001032283.3 (MANE Select); 5 bases into the intron after coding-DNA position 1079, one base duplicated (T; older notation c.1079+5dupT).
Molecular consequence: intron variant (on NM_001032283.2).
Genome position (GRCh38, 1-based): chr12:98,546,452, T duplicated; the last of 2 consecutive T bases (chr12:98,546,451-98,546,452); duplicating either gives the same sequence. VCF-style (leftmost placement, unchanged base first): chr12-98546450-A-AT. GRCh37 (hg19) VCF-style: chr12-98940228-A-AT.
Other names: c.1079+5dupT (NM_001032283.2); c.959+5dup (NM_001307975.2); c.752+5dup (NM_001032284.3); c.1079+5_1079+6insT (NM_001032283.2).
Identifiers: ClinVar variation 43691 (VCV000043691.6), dbSNP rs34449077, ClinGen allele CA132905.

ClinVar aggregate classification (germline): Benign. Review status: criteria provided, multiple submitters, no conflicts (2 of 4 stars). 2 submissions from 2 submitters: Benign (2). Last evaluated 2018-06-15.

Submissions (2):

GeneDx
Classification: Benign. Last evaluated: 2018-06-15. Review status: criteria provided, single submitter. Criteria: GeneDx Variant Classification Process June 2021. Collection method: clinical testing. Allele origin: germline. Affected: yes.

Laboratory for Molecular Medicine, Mass General Brigham Personalized Medicine
Classification: Benign. Last evaluated: 2012-08-20. Review status: criteria provided, single submitter. Criteria: LMM Criteria. Collection method: clinical testing. Allele origin: germline. Observed: 164 variant alleles.
Comment: 1079+5_1079+6insT in intron 8 of TMPO: This variant is not expected to have clin ical significance because it has been identified in 24% (136/572) of Asian chrom osomes from a broad population by the 1000 Genomes project (dbSNP rs34449077 - l isted as 1079+3_1079+4insT; also under rs71305593).